The following is an entry in ClinVar:

NM_000834.5(GRIN2B):c.2219C>T (p.Ala740Val)

Gene: GRIN2B (glutamate ionotropic receptor NMDA type subunit 2B; minus strand). Cytogenetic location: 12p13.1.
Variant type: single nucleotide variant.
Coding change: c.2219C>T on transcript NM_000834.5 (MANE Select); coding-DNA position 2219, C replaced by T.
Protein change: p.Ala740Val; replaces alanine 740 with valine.
Molecular consequence: missense variant.
Genome position (GRCh38, 1-based): chr12:13,569,970, G>A on the plus strand (C>T on the coding strand, the complement: GRIN2B is on the minus strand). VCF-style: chr12-13569970-G-A. GRCh37 (hg19) VCF-style: chr12-13722904-G-A.
Other names: c.2219C>T, p.Ala740Val (NM_001413992.1); short protein forms A740V.
Identifiers: ClinVar variation 4891293 (VCV004891293.1).

ClinVar aggregate classification (germline): Conflicting classifications of pathogenicity. Review status: criteria provided, conflicting classifications (1 of 4 stars). 2 submissions from 2 submitters: Likely pathogenic (1); Uncertain significance (1). Last evaluated 2025-11-21.

Conditions:
Intellectual developmental disorder, autosomal dominant 6, with or without seizures. Also called: Intellectual disability, autosomal dominant 6; GRIN2B-related developmental delay, intellectual disability and autism spectrum disorder. Identifiers: Orphanet 589547, MedGen C3151411, MONDO:0013509, OMIM 613970.

Submissions (2):

Clinical Genetics Laboratory, University Hospital Schleswig-Holstein
Classification: Likely pathogenic for Intellectual developmental disorder, autosomal dominant 6, with or without seizures. Last evaluated: 2025-11-21. Review status: criteria provided, single submitter. Criteria: ACMG Guidelines, 2015. Collection method: clinical testing. Allele origin: de novo. Affected: yes. Observed: 1 heterozygote.
Comment: ACMG criteria applied: PM2, PP3, PP2, PS2_Moderate

Blueprint Genetics
Classification: Uncertain significance. Last evaluated: 2017-09-03. Review status: criteria provided, single submitter. Criteria: ACMG Guidelines, 2015. Collection method: clinical testing. Allele origin: germline.